The following is an entry in ClinVar:

NM_014049.5(ACAD9):c.1566CAT[3] (p.Ile523_Met524insIle)

Genes: CFAP92 (cilia and flagella associated protein 92 (putative); minus strand), ACAD9 (acyl-CoA dehydrogenase family member 9; plus strand). Cytogenetic location: 3q21.3.
Variant type: Microsatellite.
Coding change: c.1566CAT[3] on transcript NM_014049.5 (MANE Select); three copies in a row of the 3-base unit CAT starting at c.1566; the reference has two copies in a row; one copy, 3 bases duplicated; also written c.1569_1571dup.
Protein change: p.Ile523_Met524insIle.
Molecular consequence: inframe insertion. On other transcripts: non-coding transcript variant (1), 3 prime UTR variant (3).
Genome position (GRCh38, 1-based): chr3:128,910,026-128,910,028, CAT duplicated; duplicating any 3 consecutive bases within chr3:128,910,023-128,910,028 gives the same sequence; the position shown is the placement nearest the transcript's 3' end. VCF-style (leftmost placement, unchanged base first): chr3-128910022-C-CCAT. GRCh37 (hg19) VCF-style: chr3-128628865-C-CCAT.
Other names: c.1569_1571dup (NM_014049.5); c.1197CAT[3], p.Ile400_Met401insIle (NM_001410805.1); c.*271ATG[3] (NM_001348520.2, NM_001348521.2, NM_001394090.1).
Identifiers: ClinVar variation 2047938 (VCV002047938.2), dbSNP rs778070667, ClinGen allele CA2601611.
Genomic context (GRCh38, chr3:128,910,022, plus strand): 5'-GACCATGTGGGGGACTGGTCTAGGTAGTGAGTCCCCACTTGGAGCCTCTGTGATCCCAGA[C>CCAT]CATCATGGAGGAGCAGCTGGTACTGAAGCGGGTGGCCAACATCCTCATCAACCTGTATGG-3'

ClinVar aggregate classification (germline): Uncertain significance. Review status: criteria provided, multiple submitters, no conflicts (2 of 4 stars). 2 submissions from 2 submitters: Uncertain significance (2). Last evaluated 2024-03-20.

Conditions:
Acyl-CoA dehydrogenase 9 deficiency. Also called: Acyl-CoA dehydrogenase family, member 9, deficiency of; MITOCHONDRIAL COMPLEX I DEFICIENCY, NUCLEAR TYPE 20. Identifiers: Orphanet 99901, MedGen C4747517, MONDO:0012624, OMIM 611126.

Submissions (2):

Fulgent Genetics
Classification: Uncertain significance for Acyl-CoA dehydrogenase 9 deficiency. Last evaluated: 2024-03-20. Review status: criteria provided, single submitter. Criteria: ACMG Guidelines, 2015. Collection method: clinical testing. Allele origin: germline.

Labcorp Genetics (formerly Invitae), Labcorp
Classification: Uncertain significance. Last evaluated: 2022-07-04. Review status: criteria provided, single submitter. Criteria: Invitae Variant Classification Sherloc (09022015). Collection method: clinical testing. Allele origin: germline.
Comment: This variant, c.1569_1571dup, results in the insertion of 1 amino acid(s) of the ACAD9 protein (p.Ile523dup), but otherwise preserves the integrity of the reading frame. This variant is not present in population databases (gnomAD no frequency). This variant has not been reported in the literature in individuals affected with ACAD9-related conditions. Experimental studies and prediction algorithms are not available or were not evaluated, and the functional significance of this variant is currently unknown. In summary, the available evidence is currently insufficient to determine the role of this variant in disease. Therefore, it has been classified as a Variant of Uncertain Significance.